The following is an entry in ClinVar:

NM_006329.4(FBLN5):c.313C>A (p.Pro105Thr)

Gene: FBLN5 (fibulin 5; minus strand). Cytogenetic location: 14q32.12.
Variant type: single nucleotide variant.
Coding change: c.313C>A on transcript NM_006329.4 (MANE Select); coding-DNA position 313, C replaced by A.
Protein change: p.Pro105Thr; replaces proline 105 with threonine.
Molecular consequence: missense variant.
Genome position (GRCh38, 1-based): chr14:91,937,013, G>T on the plus strand (C>A on the coding strand, the complement: FBLN5 is on the minus strand). VCF-style: chr14-91937013-G-T. GRCh37 (hg19) VCF-style: chr14-92403357-G-T.
Other names: c.436C>A, p.Pro146Thr (NM_001384158.1); c.364C>A, p.Pro122Thr (NM_001384159.1); c.313C>A, p.Pro105Thr (NM_001384160.1); c.145C>A, p.Pro49Thr (NM_001384161.1, NM_001384162.1); short protein forms P105T, P49T, P122T, P146T.
Identifiers: ClinVar variation 1408106 (VCV001408106.6), dbSNP rs1333467243, ClinGen allele CA390639751.

ClinVar aggregate classification (germline): Uncertain significance (1 of 4 stars; one submission).

Allele frequency attached by ClinVar (database versions not stated): gnomAD 0.00001; TOPMed 0.00001.
gnomAD v4.1: 1 of 1,614,080 alleles (0.000062%); highest among the groups gnomAD compares: Non-Finnish European, 0.000085%; no homozygotes.

Submission:

Labcorp Genetics (formerly Invitae), Labcorp
Classification: Uncertain significance. Last evaluated: 2025-10-07. Review status: criteria provided, single submitter. Criteria: Invitae Variant Classification Sherloc (09022015). Collection method: clinical testing. Allele origin: germline.
Comment: This sequence change replaces proline, which is neutral and non-polar, with threonine, which is neutral and polar, at codon 105 of the FBLN5 protein (p.Pro105Thr). This variant is not present in population databases (gnomAD no frequency). This variant has not been reported in the literature in individuals affected with FBLN5-related conditions. ClinVar contains an entry for this variant (Variation ID: 1408106). An algorithm developed to predict the effect of missense changes on protein structure and function (PolyPhen-2) suggests that this variant is likely to be disruptive. In summary, the available evidence is currently insufficient to determine the role of this variant in disease. Therefore, it has been classified as a Variant of Uncertain Significance.